The following is an entry in ClinVar:

NM_004385.5(VCAN):c.9124G>A (p.Asp3042Asn)

Genes: VCAN (versican; plus strand), VCAN-AS1 (VCAN antisense RNA 1; minus strand). Cytogenetic location: 5q14.3.
Variant type: single nucleotide variant.
Coding change: c.9124G>A on transcript NM_004385.5 (MANE Select); coding-DNA position 9124, G replaced by A.
Protein change: p.Asp3042Asn; replaces aspartic acid 3042 with asparagine.
Molecular consequence: missense variant. On other transcripts: intron variant (2).
Genome position (GRCh38, 1-based): chr5:83,542,127, G>A. VCF-style: chr5-83542127-G-A. GRCh37 (hg19) VCF-style: chr5-82837946-G-A.
Other names: c.6163G>A, p.Asp2055Asn (NM_001164097.2); c.4004-3410G>A (NM_001164098.2); c.1043-3410G>A (NM_001126336.3); short protein forms D3042N, D2055N.
Identifiers: ClinVar variation 354462 (VCV000354462.16), dbSNP rs144214095, ClinGen allele CA3333918.

ClinVar aggregate classification (germline): Benign/Likely benign. Review status: criteria provided, multiple submitters, no conflicts (2 of 4 stars). 4 submissions from 4 submitters: Benign (1); Likely benign (3). Last evaluated 2026-01-04.

Conditions:
VCAN-related disorder. Also called: VCAN-related condition.
Vitreoretinopathy. Also called: Vitreoretinal degeneration. Identifiers: MedGen C0344290, MONDO:0020248, HP:0007773.

Allele frequency attached by ClinVar (database versions not stated): ExAC 0.00011; gnomAD 0.00040 and 0.00041; TOPMed 0.00049; ESP Exome Variant Server 0.00062.
gnomAD v4.1: 116 of 1,614,082 alleles (0.0072%); highest among the groups gnomAD compares: African/African-American, 0.13%; no homozygotes.

Submissions (4):

Labcorp Genetics (formerly Invitae), Labcorp
Classification: Likely benign. Last evaluated: 2026-01-04. Review status: criteria provided, single submitter. Criteria: Invitae Variant Classification Sherloc (09022015). Collection method: clinical testing. Allele origin: germline.

PreventionGenetics, part of Exact Sciences
Classification: Likely benign for VCAN-related condition. Last evaluated: 2025-09-02. Review status: criteria provided, single submitter. Criteria: ACMG Guidelines, 2015. Collection method: clinical testing. Allele origin: germline.
Comment: This variant is classified as likely benign based on ACMG/AMP sequence variant interpretation guidelines (Richards et al. 2015 PMID: 25741868, with internal and published modifications).

Blueprint Genetics
Classification: Likely benign. Last evaluated: 2024-03-05. Review status: criteria provided, single submitter. Criteria: ACMG Guidelines, 2015. Collection method: clinical testing. Allele origin: germline.

Illumina Laboratory Services, Illumina
Classification: Benign for Vitreoretinopathy. Last evaluated: 2018-01-13. Review status: criteria provided, single submitter. Criteria: ICSL Variant Classification Criteria 13 December 2019. Collection method: clinical testing. Allele origin: germline.
Comment: This variant was observed in the ICSL laboratory as part of a predisposition screen in an ostensibly healthy population. It had not been previously curated by ICSL or reported in the Human Gene Mutation Database (HGMD: prior to June 1st, 2018), and was therefore a candidate for classification through an automated scoring system. Utilizing variant allele frequency, disease prevalence and penetrance estimates, and inheritance mode, an automated score was calculated to assess if this variant is too frequent to cause the disease. Based on the score and internal cut-off values, a variant classified as benign is not then subjected to further curation. The score for this variant resulted in a classification of benign for this disease.